The following is an entry in ClinVar:

NM_001365088.1(SLC12A6):c.694A>G (p.Met232Val)

Gene: SLC12A6 (solute carrier family 12 member 6; minus strand). Cytogenetic location: 15q14.
Variant type: single nucleotide variant.
Coding change: c.694A>G on transcript NM_001365088.1 (MANE Select); coding-DNA position 694, A replaced by G.
Protein change: p.Met232Val; replaces methionine 232 with valine.
Molecular consequence: missense variant.
Genome position (GRCh38, 1-based): chr15:34,256,280, T>C on the plus strand (A>G on the coding strand, the complement: SLC12A6 is on the minus strand). VCF-style: chr15-34256280-T-C. GRCh37 (hg19) VCF-style: chr15-34548481-T-C.
Other names: c.517A>G, p.Met173Val (NM_001042494.2, NM_001042495.2); c.667A>G, p.Met223Val (NM_001042496.2); c.649A>G, p.Met217Val (NM_001042497.2); c.541A>G, p.Met181Val (NM_005135.2); c.694A>G, p.Met232Val (NM_133647.2); short protein forms M217V, M223V, M232V, M173V, M181V.
Identifiers: ClinVar variation 2157086 (VCV002157086.2), dbSNP rs746413340, ClinGen allele CA7464507.
Genomic context (GRCh38, chr15:34,256,280, plus strand): 5'-CCTACTAACCTGGCACCACTCCATTAGTGGCAATGGCACTCATGGAGATAGCAGTCAACA[T>C]TGTCTGCAGAGAAAAGGAAAGGAGAGGATTGTTACTGTGTAAAGATGACATTTCTATACT-3'
Protein context (NP_001352017.1, residues 222-242): AIVLICCCCT[Met232Val]LTAISMSAIA

ClinVar aggregate classification (germline): Uncertain significance (1 of 4 stars; one submission).

Allele frequency attached by ClinVar (database versions not stated): ExAC 0.00001; TOPMed 0.00003; gnomAD 0.00005.
gnomAD v4.1: 33 of 1,599,720 alleles (0.0021%); highest among the groups gnomAD compares: Middle Eastern, 0.017%; no homozygotes.

Submission:

Labcorp Genetics (formerly Invitae), Labcorp
Classification: Uncertain significance. Last evaluated: 2024-10-15. Review status: criteria provided, single submitter. Criteria: Invitae Variant Classification Sherloc (09022015). Collection method: clinical testing. Allele origin: germline.
Comment: This sequence change replaces methionine, which is neutral and non-polar, with valine, which is neutral and non-polar, at codon 232 of the SLC12A6 protein (p.Met232Val). This variant is present in population databases (rs746413340, gnomAD 0.004%). This variant has not been reported in the literature in individuals affected with SLC12A6-related conditions. ClinVar contains an entry for this variant (Variation ID: 2157086). Invitae Evidence Modeling of protein sequence and biophysical properties (such as structural, functional, and spatial information, amino acid conservation, physicochemical variation, residue mobility, and thermodynamic stability) indicates that this missense variant is not expected to disrupt SLC12A6 protein function with a negative predictive value of 80%. In summary, the available evidence is currently insufficient to determine the role of this variant in disease. Therefore, it has been classified as a Variant of Uncertain Significance.